The following is an entry in ClinVar:

NM_003227.4(TFR2):c.1046C>G (p.Ser349Ter)

Gene: TFR2 (transferrin receptor 2; minus strand). Cytogenetic location: 7q22.1.
Variant type: single nucleotide variant.
Coding change: c.1046C>G on transcript NM_003227.4 (MANE Select); coding-DNA position 1046, C replaced by G.
Protein change: p.Ser349Ter; replaces serine 349 with a stop codon.
Molecular consequence: nonsense.
Genome position (GRCh38, 1-based): chr7:100,631,866, G>C on the plus strand (C>G on the coding strand, the complement: TFR2 is on the minus strand). VCF-style: chr7-100631866-G-C. GRCh37 (hg19) VCF-style: chr7-100229489-G-C.
Other names: c.533C>G, p.Ser178Ter (NM_001206855.3); c.1046C>G (NM_003227.3); short protein forms S178*, S349*.
Identifiers: ClinVar variation 2679149 (VCV002679149.2), dbSNP rs2486128952, ClinGen allele CA368531790.
Genomic context (GRCh38, chr7:100,631,866, plus strand): 5'-CTCAGCAGGCGGGAGGCAATGTCTGCACTGATGGGCTGGGCTGGGATGCTGGGAAGGCCT[G>C]ATGATGCAACTGGAGGGAACTGGGTTTGATTGAAGGAAGGGAAGCCAGGTGTGTAGGGGT-3'

ClinVar aggregate classification (germline): Likely pathogenic. Review status: criteria provided, multiple submitters, no conflicts (2 of 4 stars). 2 submissions from 2 submitters: Likely pathogenic (2). Last evaluated 2025-10-23.

Conditions:
Hemochromatosis type 3 (HFE3). Also called: HEMOCHROMATOSIS DUE TO DEFECT IN TRANSFERRIN RECEPTOR 2; Hereditary hemochromatosis type 3; TFR2-Related Hemochromatosis. Identifiers: Orphanet 225123, MedGen C1858664, MONDO:0011417, OMIM 604250.

Submissions (2):

Natera, Inc.
Classification: Likely pathogenic for Hereditary hemochromatosis type 3. Last evaluated: 2025-10-23. Review status: criteria provided, single submitter. Criteria: Natera Variant Classification Schema (03/2026). Collection method: clinical testing. Allele origin: germline.
Comment: The c.1046C>G variant in TFR2 is a nonsense variant predicted to introduce a stop codon at amino acid 349. This variant is expected to result in nonsense mediated decay, truncation, or a dysfunctional protein product. This variant is rare in the general population with a frequency below the threshold expected for the associated phenotype(s). Given the available evidence, this variant is classified as Likely Pathogenic.

Baylor Genetics
Classification: Likely pathogenic for Hemochromatosis type 3. Last evaluated: 2023-09-09. Review status: criteria provided, single submitter. Criteria: ACMG Guidelines, 2015. Collection method: clinical testing. Allele origin: unknown.